The following is an entry in ClinVar:

NM_002890.3(RASA1):c.3018del (p.Asp1007fs)

Genes: CCNH (cyclin H; minus strand), RASA1 (RAS p21 protein activator 1; plus strand). Cytogenetic location: 5q14.3.
Variant type: Deletion.
Coding change: c.3018del on transcript NM_002890.3 (MANE Select); coding-DNA position 3018, one base deleted (A; older notation c.3018delA).
Protein change: p.Asp1007fs; shifts the reading frame from aspartic acid 1007.
Molecular consequence: frameshift variant. On other transcripts: intron variant (1).
Genome position (GRCh38, 1-based): chr5:87,389,485, A deleted. VCF-style (leftmost placement, unchanged base first): chr5-87389484-CA-C. GRCh37 (hg19) VCF-style: chr5-86685301-CA-C.
Other names: c.2487del, p.Asp830fs (NM_022650.3); c.933+5559del (NM_001364075.2); c.2487delA (NM_022650.2); short protein forms D1007fs, D830fs.
Identifiers: ClinVar variation 618344 (VCV000618344.9), dbSNP rs1561333568, ClinGen allele CA913189622.

ClinVar aggregate classification (germline): Pathogenic (1 of 4 stars; one submission).

Submission:

ARUP Laboratories, Molecular Genetics and Genomics, ARUP Laboratories
Classification: Pathogenic. Last evaluated: 2018-06-29. Review status: criteria provided, single submitter. Criteria: ARUP Molecular Germline Variant Investigation Process. Collection method: clinical testing. Allele origin: germline.
Comment: The RASA1 c.3018delA; p.Asp1007fs variant, to our knowledge, is not reported in the medical literature or gene specific databases. This variant is also absent from general population databases (1000 Genomes Project, Exome Variant Server, and Genome Aggregation Database), indicating it is not a common polymorphism. This variant causes a frameshift by deleting a single nucleotide, so it is predicted to result in a truncated protein or mRNA subject to nonsense-mediated decay. Truncating, loss-of-function variants in RASA1 are an established mechanism of disease, and such variants located in the same exon (24) have been identified in affected patients (Martin-Santiago 2015, Revencu 2013). Based on available information, this variant is considered to be pathogenic. References: Martin-Santiago A et al. Hypotrichosis associated with capillary malformation-arteriovenous malformation syndrome. Br J Dermatol. 2015 Feb;172(2):450-4. Revencu N et al. RASA1 mutations and associated phenotypes in 68 families with capillary malformation-arteriovenous malformation. Hum Mutat. 2013 Dec;34(12):1632-41.